The following is an entry in ClinVar:

ClinVar aggregate classification (germline): Pathogenic/Likely pathogenic. Review status: criteria provided, multiple submitters, no conflicts (2 of 4 stars). 3 submissions from 3 submitters: Pathogenic (1); Likely pathogenic (2). Last evaluated 2025-11-26.

Conditions:
Polycystic kidney disease 4 (PKD4). Also called: POLYCYSTIC KIDNEY DISEASE 4 WITH OR WITHOUT POLYCYSTIC LIVER DISEASE; POLYCYSTIC KIDNEY AND HEPATIC DISEASE 1; POLYCYSTIC KIDNEY DISEASE, INFANTILE, TYPE I; Autosomal Recessive Polycystic Kidney Disease – PKHD1; PKD3. Identifiers: MedGen C4540575, MONDO:0033004, OMIM 263200.
Autosomal recessive polycystic kidney disease (ARPKD). Also called: AR polycystic kidney disease. Identifiers: Orphanet 731, Orphanet 8378, MedGen C0085548, MeSH D017044, MONDO:0009889.

Submissions (3):

Natera, Inc.
Classification: Likely pathogenic for Autosomal recessive polycystic kidney disease. Last evaluated: 2025-11-26. Review status: criteria provided, single submitter. Criteria: Natera Variant Classification Schema (03/2026). Collection method: clinical testing. Allele origin: germline.
Comment: The c.1856delG variant in PKHD1 is a frameshift variant predicted to shift the reading frame beginning at codon 619 and leads to a stop codon 3 codons downstream. This variant is expected to result in nonsense mediated decay, truncation, or a dysfunctional protein product. This variant is rare in the general population with a frequency below the threshold expected for the associated phenotype(s). Given the available evidence, this variant is classified as Likely Pathogenic.

Fulgent Genetics
Classification: Likely pathogenic for Polycystic kidney disease 4. Last evaluated: 2024-03-05. Review status: criteria provided, single submitter. Criteria: ACMG Guidelines, 2015. Collection method: clinical testing. Allele origin: germline.

Labcorp Genetics (formerly Invitae), Labcorp
Classification: Pathogenic for Autosomal recessive polycystic kidney disease. Last evaluated: 2022-09-15. Review status: criteria provided, single submitter. Criteria: Invitae Variant Classification Sherloc (09022015). Collection method: clinical testing. Allele origin: germline.
Comment: This sequence change creates a premature translational stop signal (p.Gly619Alafs*3) in the PKHD1 gene. It is expected to result in an absent or disrupted protein product. Loss-of-function variants in PKHD1 are known to be pathogenic (PMID: 19940839). For these reasons, this variant has been classified as Pathogenic. Algorithms developed to predict the effect of sequence changes on RNA splicing suggest that this variant may create or strengthen a splice site. ClinVar contains an entry for this variant (Variation ID: 1075305). This premature translational stop signal has been observed in individual(s) with autosomal recessive polycystic kidney disease (PMID: 15805161, 27225849). This variant is not present in population databases (gnomAD no frequency).

Literature cited by the submitters: PubMed 19940839 (cited by Labcorp Genetics (formerly Invitae), Labcorp); PubMed 15805161 (cited by Labcorp Genetics (formerly Invitae), Labcorp); PubMed 27225849 (cited by Labcorp Genetics (formerly Invitae), Labcorp).

NM_138694.4(PKHD1):c.1856del (p.Gly619fs)

Gene: PKHD1 (PKHD1 ciliary IPT domain containing fibrocystin/polyductin; minus strand). Cytogenetic location: 6p12.2.
Variant type: Deletion.
Coding change: c.1856del on transcript NM_138694.4 (MANE Select); coding-DNA position 1856, one base deleted (G; older notation c.1856delG).
Protein change: p.Gly619fs; shifts the reading frame from glycine 619.
Molecular consequence: frameshift variant.
Genome position (GRCh38, 1-based): chr6:52,054,146, C deleted on the plus strand (G on the coding strand, the reverse complement: PKHD1 is on the minus strand); the first of 2 consecutive C bases (chr6:52,054,146-52,054,147); deleting either gives the same sequence. VCF-style (leftmost placement, unchanged base first): chr6-52054145-GC-G. GRCh37 (hg19) VCF-style: chr6-51918943-GC-G.
Other names: c.1856del, p.Gly619fs (NM_170724.3); c.1856delG (NM_138694.3); short protein forms G619fs.
Identifiers: ClinVar variation 1075305 (VCV001075305.13), dbSNP rs1807328375, ClinGen allele CA1628595883.